The following is an entry in ClinVar:

ClinVar aggregate classification (germline): Uncertain significance. Review status: criteria provided, multiple submitters, no conflicts (2 of 4 stars). 7 submissions from 7 submitters: Uncertain significance (7). Last evaluated 2026-08-06.

Conditions:
Hypotonia, infantile, with psychomotor retardation and characteristic facies 2 (IHPRF2). Also called: UNC80 Deficiency. Identifiers: Orphanet 371364, Orphanet 700333, MedGen C4225203, MONDO:0014777, OMIM 616801.
Inborn genetic diseases. Identifiers: MedGen C0950123, MeSH D030342.

Allele frequency attached by ClinVar (database versions not stated): gnomAD 0.00001; TOPMed 0.00002.
gnomAD v4.1: 24 of 1,551,956 alleles (0.0015%); highest among the groups gnomAD compares: South Asian, 0.0036%; no homozygotes.

Submissions (7):

OLLIN Analises Genomicas, OLLIN
Classification: Uncertain significance for Hypotonia, infantile, with psychomotor retardation and characteristic facies 2. Last evaluated: 2026-08-06. Review status: criteria provided, single submitter. Criteria: ACMG Guidelines 2015 PMID 25741868. Collection method: clinical testing. Allele origin: germline. Inheritance: Autosomal recessive inheritance.
Comment: This missense variant, located in exon 45 (of 65), has been reported in ClinVar (accession VCV001399927.6) and in gnomAD with an allele frequency of 0.0015%. However, to our knowledge, it has not been reported in the scientific literature. In silico analysis predicts that this variant has a tolerated effect. According to the currently available evidence, this variant has been classified as uncertain significance (PM2_P, BP4).

Dasa
Classification: Uncertain significance. Last evaluated: 2026-03-26. Review status: criteria provided, single submitter. Criteria: DASA Assertion Criteria. Collection method: clinical testing. Allele origin: germline.
Comment: NM_001371986.1(UNC80):c.6950G>A (p.Arg2317His) is a missense variant that results in the substitution of arginine with histidine. This variant is rare in population databases. The currently available literature and clinical evidence are not sufficient to establish a definitive association between this variant and the reported condition. Therefore, this variant is classified as a variant of uncertain significance.

Blueprint Genetics
Classification: Uncertain significance. Last evaluated: 2024-09-10. Review status: criteria provided, single submitter. Criteria: ACMG Guidelines, 2015. Collection method: clinical testing. Allele origin: germline.

Labcorp Genetics (formerly Invitae), Labcorp
Classification: Uncertain significance. Last evaluated: 2023-10-13. Review status: criteria provided, single submitter. Criteria: Invitae Variant Classification Sherloc (09022015). Collection method: clinical testing. Allele origin: germline.
Comment: This sequence change replaces arginine, which is basic and polar, with histidine, which is basic and polar, at codon 2251 of the UNC80 protein (p.Arg2251His). This variant is present in population databases (no rsID available, gnomAD 0.009%). This variant has not been reported in the literature in individuals affected with UNC80-related conditions. ClinVar contains an entry for this variant (Variation ID: 1399927). Advanced modeling of protein sequence and biophysical properties (such as structural, functional, and spatial information, amino acid conservation, physicochemical variation, residue mobility, and thermodynamic stability) performed at Invitae indicates that this missense variant is not expected to disrupt UNC80 protein function. In summary, the available evidence is currently insufficient to determine the role of this variant in disease. Therefore, it has been classified as a Variant of Uncertain Significance.

GeneDx
Classification: Uncertain significance. Last evaluated: 2023-03-26. Review status: criteria provided, single submitter. Criteria: GeneDx Variant Classification Process June 2021. Collection method: clinical testing. Allele origin: germline. Affected: yes.
Comment: In silico analysis supports that this missense variant does not alter protein structure/function; Has not been previously published as pathogenic or benign to our knowledge

Ambry Genetics
Classification: Uncertain significance for Inborn genetic diseases. Last evaluated: 2022-06-29. Review status: criteria provided, single submitter. Criteria: Ambry Variant Classification Scheme 2023. Collection method: clinical testing. Allele origin: germline.

Juno Genomics, Hangzhou Juno Genomics, Inc
Classification: Uncertain significance for Hypotonia, infantile, with psychomotor retardation and characteristic facies 2. Review status: criteria provided, single submitter. Criteria: ACMG Guidelines, 2015. Collection method: clinical testing. Allele origin: germline.
Comment: Absent from controls (or at extremely low frequency if recessive) in Genome Aggregation Database.;Missense variant in a gene that has a low rate of benign missense variation.

NM_001371986.1(UNC80):c.6950G>A (p.Arg2317His)

Gene: UNC80 (unc-80 subunit of NALCN channel complex; plus strand). Cytogenetic location: 2q34.
Variant type: single nucleotide variant.
Coding change: c.6950G>A on transcript NM_001371986.1 (MANE Select); coding-DNA position 6950, G replaced by A.
Protein change: p.Arg2317His; replaces arginine 2317 with histidine.
Molecular consequence: missense variant.
Genome position (GRCh38, 1-based): chr2:209,943,414, G>A. VCF-style: chr2-209943414-G-A. GRCh37 (hg19) VCF-style: chr2-210808138-G-A.
Other names: c.6752G>A, p.Arg2251His (NM_032504.2); c.6737G>A, p.Arg2246His (NM_182587.4); c.6752G>A (NM_032504.1); short protein forms R2251H, R2246H, R2317H.
Identifiers: ClinVar variation 1399927 (VCV001399927.11), dbSNP rs1292203908, ClinGen allele CA350773421.